The following is an entry in ClinVar:

ClinVar aggregate classification (germline): Likely pathogenic. Review status: criteria provided, multiple submitters, no conflicts (2 of 4 stars). 2 submissions from 2 submitters: Likely pathogenic (2). Last evaluated 2021-08-06.

Conditions:
TRIP4-related disorder. Also called: TRIP4-related disorders; TRIP4-related condition.

Submissions (2):

Blueprint Genetics
Classification: Likely pathogenic for TRIP4-related disorders. Last evaluated: 2021-08-06. Review status: criteria provided, single submitter. Criteria: ACMG Guidelines, 2015. Collection method: clinical testing. Allele origin: germline. Affected: yes. Observed: 2 variant alleles.

GeneDx
Classification: Likely pathogenic. Last evaluated: 2018-09-13. Review status: criteria provided, single submitter. Criteria: GeneDx Variant Classification (06012015). Collection method: clinical testing. Allele origin: germline. Affected: yes.
Comment: The c.1460_1463delCATA variant has not been published as a pathogenic variant, nor has it been reported as a benign variant to our knowledge. The c.1460_1463delCATA variant causes a frameshift starting with codon Threonine 487, changes this amino acid to an Isoleucine residue and creates a premature Stop codon at position 26 of the new reading frame, denoted p.Thr487IlefsX26. This variant is predicted to cause loss of normal protein function either through protein truncation or nonsense-mediated mRNA decay. Furthermore, the c.1460_1463delCATA variant is not observed at a significant frequency in large population cohorts (Lek et al., 2016). Therefore, this variant is likely pathogenic; however, the possibility that it is benign cannot be excluded.

NM_016213.5(TRIP4):c.1460_1463del (p.Thr487fs)

Gene: TRIP4 (thyroid hormone receptor interactor 4; plus strand). Cytogenetic location: 15q22.31.
Variant type: Deletion.
Coding change: c.1460_1463del on transcript NM_016213.5 (MANE Select); coding-DNA positions 1460 to 1463, 4 bases deleted (CATA; older notation c.1460_1463delCATA).
Protein change: p.Thr487fs; shifts the reading frame from threonine 487.
Molecular consequence: frameshift variant. On other transcripts: non-coding transcript variant (1).
Genome position (GRCh38, 1-based): chr15:64,424,132-64,424,135, CATA deleted; deleting any 4 consecutive bases within chr15:64,424,130-64,424,135 gives the same sequence; the c. name uses the placement nearest the transcript's 3' end. VCF-style (leftmost placement, unchanged base first): chr15-64424129-CTACA-C. GRCh37 (hg19) VCF-style: chr15-64716328-CTACA-C.
Other names: c.770_773del, p.Thr257fs (NM_001321924.2); short protein forms T487fs, T257fs.
Identifiers: ClinVar variation 817207 (VCV000817207.2), dbSNP rs760447338, ClinGen allele CA7609662.